The following is an entry in ClinVar:

ClinVar aggregate classification (germline): Uncertain significance. Review status: criteria provided, multiple submitters, no conflicts (2 of 4 stars). 4 submissions from 4 submitters: Uncertain significance (4). Last evaluated 2023-06-14.

Conditions:
Inborn genetic diseases. Identifiers: MedGen C0950123, MeSH D030342.

Allele frequency attached by ClinVar (database versions not stated): gnomAD exomes 0.00002 and 0.00004; ExAC 0.00003; gnomAD 0.00007 and 0.00009; TOPMed 0.00034; 1000 Genomes Project 0.00040; 1000 Genomes Project 30x 0.00062.
gnomAD v4.1: 53 of 1,613,948 alleles (0.0033%); highest among the groups gnomAD compares: Admixed American, 0.03%; no homozygotes.

Submissions (4):

GeneDx
Classification: Uncertain significance. Last evaluated: 2023-06-14. Review status: criteria provided, single submitter. Criteria: GeneDx Variant Classification Process June 2021. Collection method: clinical testing. Allele origin: germline. Affected: yes.
Comment: Not observed at significant frequency in large population cohorts (gnomAD); In silico analysis supports that this missense variant has a deleterious effect on protein structure/function; Has not been previously published as pathogenic or benign to our knowledge

Blueprint Genetics
Classification: Uncertain significance. Last evaluated: 2023-02-07. Review status: criteria provided, single submitter. Criteria: ACMG Guidelines, 2015. Collection method: clinical testing. Allele origin: germline.

Ambry Genetics
Classification: Uncertain significance for Inborn genetic diseases. Last evaluated: 2021-09-27. Review status: criteria provided, single submitter. Criteria: Ambry Variant Classification Scheme 2023. Collection method: clinical testing. Allele origin: germline.

Labcorp Genetics (formerly Invitae), Labcorp
Classification: Uncertain significance. Last evaluated: 2021-08-14. Review status: criteria provided, single submitter. Criteria: Invitae Variant Classification Sherloc (09022015). Collection method: clinical testing. Allele origin: germline.
Comment: This sequence change replaces cysteine with tyrosine at codon 1370 of the OTOGL protein (p.Cys1370Tyr). The cysteine residue is highly conserved and there is a large physicochemical difference between cysteine and tyrosine. This variant is present in population databases (rs180943308, ExAC 0.02%). This variant has not been reported in the literature in individuals affected with OTOGL-related conditions. Algorithms developed to predict the effect of missense changes on protein structure and function are either unavailable or do not agree on the potential impact of this missense change (SIFT: "Deleterious"; PolyPhen-2: "Probably Damaging"; Align-GVGD: "Class C0"). In summary, the available evidence is currently insufficient to determine the role of this variant in disease. Therefore, it has been classified as a Variant of Uncertain Significance.

NM_001378609.3(OTOGL):c.4136G>A (p.Cys1379Tyr)

Gene: OTOGL (otogelin like; plus strand). Cytogenetic location: 12q21.31.
Variant type: single nucleotide variant.
Coding change: c.4136G>A on transcript NM_001378609.3 (MANE Select); coding-DNA position 4136, G replaced by A.
Protein change: p.Cys1379Tyr; replaces cysteine 1379 with tyrosine.
Molecular consequence: missense variant.
Genome position (GRCh38, 1-based): chr12:80,323,777, G>A. VCF-style: chr12-80323777-G-A. GRCh37 (hg19) VCF-style: chr12-80717557-G-A.
Other names: c.4001G>A, p.Cys1334Tyr (NM_001368062.3); c.4136G>A, p.Cys1379Tyr (NM_001378610.3, NM_173591.7); c.4109G>A (NM_173591.3); short protein forms C1334Y, C1379Y.
Identifiers: ClinVar variation 1512378 (VCV001512378.7), dbSNP rs180943308, ClinGen allele CA6701267.
Genomic context (GRCh38, chr12:80,323,777, plus strand): 5'-TCCCAGAAATCCAGGCAGCAGTGCCTTACAGGAAGATGTGTGAATGGAGATATGAACCTT[G>A]TGCTACACCCTGTTTTAAAACATGTAGTGACCCTGAAGCACTAGCATGTAAATTTCTTCC-3'
Protein context (NP_001365538.2, residues 1369-1389): RKMCEWRYEP[Cys1379Tyr]ATPCFKTCSD